The following is an entry in ClinVar:

NM_000535.7(PMS2):c.614A>G (p.Gln205Arg)

Gene: PMS2 (PMS1 homolog 2, mismatch repair system component; minus strand). Cytogenetic location: 7p22.1.
Variant type: single nucleotide variant.
Coding change: c.614A>G on transcript NM_000535.7 (MANE Select); coding-DNA position 614, A replaced by G.
Protein change: p.Gln205Arg; replaces glutamine 205 with arginine.
Molecular consequence: missense variant. On other transcripts: 5 prime UTR variant (2), non-coding transcript variant (1), intron variant (1).
Genome position (GRCh38, 1-based): chr7:5,999,199, T>C on the plus strand (A>G on the coding strand, the complement: PMS2 is on the minus strand). VCF-style: chr7-5999199-T-C. GRCh37 (hg19) VCF-style: chr7-6038830-T-C.
Other names: c.209A>G, p.Gln70Arg (NM_001322003.2, NM_001322004.2, NM_001322005.2 and 2 more transcripts); c.614A>G, p.Gln205Arg (NM_001322006.2, NM_001322014.2); c.296A>G, p.Gln99Arg (NM_001322007.2, NM_001322008.2); c.-320A>G (NM_001322011.2, NM_001322012.2); c.305A>G, p.Gln102Arg (NM_001322015.2); c.133-1776A>G (NM_001322013.2); short protein forms Q102R, Q70R, Q99R, Q205R.
Identifiers: ClinVar variation 849402 (VCV000849402.9), dbSNP rs587779342, ClinGen allele CA366743981.
Genomic context (GRCh38, chr7:5,999,199, plus strand): 5'-TCCTTTATGCTGGGGCTTCCACCTGTGCATACCACAGGCTGTCGTTTTCCTTGTCCAAGC[T>C]GATTGGTGCAACTTACACGGATGCCTGCTGAAATGATACAGTATGCATGTAAGACCTGGA-3'
Protein context (NP_000526.2, residues 195-215): SAGIRVSCTN[Gln205Arg]LGQGKRQPVV

ClinVar aggregate classification (germline): Uncertain significance (1 of 4 stars; one submission).

Conditions:
Hereditary nonpolyposis colorectal neoplasms. Identifiers: MedGen C0009405, MeSH D003123.

Submission:

Labcorp Genetics (formerly Invitae), Labcorp
Classification: Uncertain significance for Hereditary nonpolyposis colorectal neoplasms. Last evaluated: 2022-01-27. Review status: criteria provided, single submitter. Criteria: Invitae Variant Classification Sherloc (09022015). Collection method: clinical testing. Allele origin: germline.
Comment: This sequence change replaces glutamine, which is neutral and polar, with arginine, which is basic and polar, at codon 205 of the PMS2 protein (p.Gln205Arg). In summary, the available evidence is currently insufficient to determine the role of this variant in disease. Therefore, it has been classified as a Variant of Uncertain Significance. This variant disrupts the p.Gln205 amino acid residue in PMS2. Other variant(s) that disrupt this residue have been determined to be pathogenic (PMID: 18602922, 25980754). This suggests that this residue is clinically significant, and that variants that disrupt this residue are likely to be disease-causing. Algorithms developed to predict the effect of missense changes on protein structure and function are either unavailable or do not agree on the potential impact of this missense change (SIFT: "Deleterious"; PolyPhen-2: "Probably Damaging"; Align-GVGD: "Class C0"). ClinVar contains an entry for this variant (Variation ID: 849402). This variant has not been reported in the literature in individuals affected with PMS2-related conditions. This variant is not present in population databases (gnomAD no frequency).

Literature cited by the submitters: PubMed 18602922; PubMed 25980754.